The following is an entry in ClinVar:

NM_006180.6(NTRK2):c.1324G>T (p.Val442Leu)

Gene: NTRK2 (neurotrophic receptor tyrosine kinase 2; plus strand). Cytogenetic location: 9q21.33.
Variant type: single nucleotide variant.
Coding change: c.1324G>T on transcript NM_006180.6 (MANE Select); coding-DNA position 1324, G replaced by T.
Protein change: p.Val442Leu; replaces valine 442 with leucine.
Molecular consequence: missense variant.
Genome position (GRCh38, 1-based): chr9:84,752,013, G>T. VCF-style: chr9-84752013-G-T. GRCh37 (hg19) VCF-style: chr9-87366928-G-T.
Other names: c.1324G>T, p.Val442Leu (NM_001007097.3, NM_001018064.3, NM_001018065.2 and 15 more transcripts); c.1285G>T, p.Val429Leu (NM_001291937.2, NM_001369546.1); c.1288G>T, p.Val430Leu (NM_001369534.1); c.856G>T, p.Val286Leu (NM_001369535.1, NM_001369536.1, NM_001369550.1 and 2 more transcripts); c.1324G>T (NM_006180.4); short protein forms V430L, V442L, V429L, V286L.
Identifiers: ClinVar variation 1384172 (VCV001384172.7), dbSNP rs758094577, ClinGen allele CA5105716.

ClinVar aggregate classification (germline): Uncertain significance. Review status: criteria provided, multiple submitters, no conflicts (2 of 4 stars). 3 submissions from 3 submitters: Uncertain significance (2). 1 of the submissions does not count toward it. Last evaluated 2025-05-08.

Conditions:
NTRK2-related disorder. Also called: NTRK2-related condition.

Allele frequency attached by ClinVar (database versions not stated): ExAC 0.00003; gnomAD exomes 0.00003 and 0.00002; TOPMed below 0.00001.
gnomAD v4.1: 14 of 1,614,078 alleles (0.00087%); highest among the groups gnomAD compares: Admixed American, 0.0067%; no homozygotes.

Submissions (3):

Women's Health and Genetics/Laboratory Corporation of America, LabCorp
Classification: Uncertain significance. Last evaluated: 2025-05-08. Review status: criteria provided, single submitter. Criteria: LabCorp Variant Classification Summary - May 2015. Collection method: clinical testing. Allele origin: germline.
Comment: Variant summary: NTRK2 c.1324G>T (p.Val442Leu) results in a conservative amino acid change in the encoded protein sequence. Algorithms developed to predict the effect of missense changes on protein structure and function are either unavailable or do not agree on the potential impact of this missense change. The variant allele was found at a frequency of 3.2e-05 in 251412 control chromosomes. The available data on variant occurrences in the general population are insufficient to allow any conclusion about variant significance. To our knowledge, no occurrence of c.1324G>T in individuals affected with Developmental And Epileptic Encephalopathy, 58 and no experimental evidence demonstrating its impact on protein function have been reported. ClinVar contains an entry for this variant (Variation ID: 1384172). Based on the evidence outlined above, the variant was classified as uncertain significance.

Labcorp Genetics (formerly Invitae), Labcorp
Classification: Uncertain significance. Last evaluated: 2024-09-04. Review status: criteria provided, single submitter. Criteria: Invitae Variant Classification Sherloc (09022015). Collection method: clinical testing. Allele origin: germline.
Comment: This sequence change replaces valine, which is neutral and non-polar, with leucine, which is neutral and non-polar, at codon 442 of the NTRK2 protein (p.Val442Leu). This variant is present in population databases (rs758094577, gnomAD 0.02%). This variant has not been reported in the literature in individuals affected with NTRK2-related conditions. ClinVar contains an entry for this variant (Variation ID: 1384172). Invitae Evidence Modeling of protein sequence and biophysical properties (such as structural, functional, and spatial information, amino acid conservation, physicochemical variation, residue mobility, and thermodynamic stability) indicates that this missense variant is expected to disrupt NTRK2 protein function with a positive predictive value of 95%. In summary, the available evidence is currently insufficient to determine the role of this variant in disease. Therefore, it has been classified as a Variant of Uncertain Significance.

PreventionGenetics, part of Exact Sciences
Classification: Uncertain significance for NTRK2-related condition. Last evaluated: 2024-06-18. Review status: no assertion criteria provided. Collection method: clinical testing. Allele origin: germline. Not counted in ClinVar's aggregate classification.
Comment: The NTRK2 c.1324G>T variant is predicted to result in the amino acid substitution p.Val442Leu. To our knowledge, this variant has not been reported in the literature. This variant is reported in 0.020% of alleles in individuals of Ashkenazi Jewish descent in gnomAD. At this time, the clinical significance of this variant is uncertain due to the absence of conclusive functional and genetic evidence.